The following is an entry in ClinVar:

ClinVar aggregate classification (germline): Benign/Likely benign. Review status: criteria provided, multiple submitters, no conflicts (2 of 4 stars). 6 submissions from 6 submitters: Benign (2); Likely benign (3). 1 of the submissions does not count toward it. Last evaluated 2026-04-01.

Conditions:
Neurodevelopmental disorder and structural brain anomalies with or without seizures and spasticity. Identifiers: MedGen C5394423, MONDO:0030046, OMIM 618890.
PTPN23-related disorder. Also called: PTPN23-related condition.

Allele frequency attached by ClinVar (database versions not stated): 1000 Genomes Project 30x 0.00172; 1000 Genomes Project 0.00180; gnomAD 0.00259 and 0.00265; gnomAD exomes 0.00263 and 0.00427; TOPMed 0.00286; ExAC 0.00316; ESP Exome Variant Server 0.00362.
gnomAD v4.1: 6,464 of 1,566,536 alleles (0.41%); highest among the groups gnomAD compares: Non-Finnish European, 0.5%; 17 homozygotes.

Submissions (6):

CeGaT Center for Human Genetics Tuebingen
Classification: Likely benign. Last evaluated: 2026-04-01. Review status: criteria provided, single submitter. Criteria: CeGaT Center For Human Genetics Tuebingen Variant Classification Criteria Version 2. Collection method: clinical testing. Allele origin: germline. Affected: yes. Observed: 27 variant alleles.
Comment: PTPN23: BP4, BP7, BS2

Labcorp Genetics (formerly Invitae), Labcorp
Classification: Benign. Last evaluated: 2026-01-27. Review status: criteria provided, single submitter. Criteria: Invitae Variant Classification Sherloc (09022015). Collection method: clinical testing. Allele origin: germline.

ARUP Laboratories, Molecular Genetics and Genomics, ARUP Laboratories
Classification: Benign for Neurodevelopmental disorder and structural brain anomalies with or without seizures and spasticity. Last evaluated: 2025-03-06. Review status: criteria provided, single submitter. Criteria: ARUP Molecular Germline Variant Investigation Process 2024. Collection method: clinical testing. Allele origin: germline.

Blueprint Genetics
Classification: Likely benign. Last evaluated: 2024-11-06. Review status: criteria provided, single submitter. Criteria: ACMG Guidelines, 2015. Collection method: clinical testing. Allele origin: germline.

Breakthrough Genomics
Classification: Likely benign. Review status: criteria provided, single submitter. Criteria: ACMG Guidelines, 2015. Collection method: not provided. Allele origin: germline. Inheritance: Autosomal recessive inheritance. Affected: yes.

PreventionGenetics, part of Exact Sciences
Classification: Likely benign for PTPN23-related condition. Last evaluated: 2019-03-08. Review status: no assertion criteria provided. Collection method: clinical testing. Allele origin: germline. Not counted in ClinVar's aggregate classification.
Comment: This variant is classified as likely benign based on ACMG/AMP sequence variant interpretation guidelines (Richards et al. 2015 PMID: 25741868, with internal and published modifications).

NM_015466.4(PTPN23):c.2148G>A (p.Pro716=)

Gene: PTPN23 (protein tyrosine phosphatase non-receptor type 23; plus strand). Cytogenetic location: 3p21.31.
Variant type: single nucleotide variant.
Coding change: c.2148G>A on transcript NM_015466.4 (MANE Select); coding-DNA position 2148, G replaced by A.
Protein change: p.Pro716=; no amino-acid change (proline 716 retained).
Molecular consequence: synonymous variant.
Genome position (GRCh38, 1-based): chr3:47,409,946, G>A. VCF-style: chr3-47409946-G-A. GRCh37 (hg19) VCF-style: chr3-47451436-G-A.
Other names: c.2148G>A (NM_015466.3); c.1770G>A, p.Pro590= (NM_001304482.2).
Identifiers: ClinVar variation 1166916 (VCV001166916.44), dbSNP rs150385027, ClinGen allele CA2365956.
Genomic context (GRCh38, chr3:47,409,946, plus strand): 5'-TGATGGGAGCCTGGCCCCACTTTTTCCTTGCCTGTCGCACAGGGAGCTGAAGAAGAAGCC[G>A]CCGCCACGGCCCACAGCCCCAAAGCCGCTGCTGCCCCGCAGGGAGGAGAGTGAGGCAGTG-3'
Protein context (NP_056281.1, residues 706-726): QLLDRELKKK[Pro716=]PPRPTAPKPL